The following is an entry in ClinVar:

ClinVar aggregate classification (germline): Likely benign. Review status: criteria provided, multiple submitters, no conflicts (2 of 4 stars). 3 submissions from 3 submitters: Likely benign (3). Last evaluated 2026-01-13.

Conditions:
Left ventricular noncompaction 1 (LVNC1). Also called: LEFT VENTRICULAR NONCOMPACTION 1 WITH OR WITHOUT CONGENITAL HEART DEFECTS. Identifiers: Orphanet 54260, MedGen C1858725, MONDO:0011403, OMIM 604169.

Submissions (3):

Labcorp Genetics (formerly Invitae), Labcorp
Classification: Likely benign for Left ventricular noncompaction 1. Last evaluated: 2026-01-13. Review status: criteria provided, single submitter. Criteria: Invitae Variant Classification Sherloc (09022015). Collection method: clinical testing. Allele origin: germline.

Blueprint Genetics
Classification: Likely benign. Last evaluated: 2024-09-20. Review status: criteria provided, single submitter. Criteria: ACMG Guidelines, 2015. Collection method: clinical testing. Allele origin: germline.

GeneDx
Classification: Likely benign. Last evaluated: 2016-06-30. Review status: criteria provided, single submitter. Criteria: GeneDx Variant Classification (06012015). Collection method: clinical testing. Allele origin: germline. Affected: yes.
Comment: This variant is considered likely benign or benign based on one or more of the following criteria: it is a conservative change, it occurs at a poorly conserved position in the protein, it is predicted to be benign by multiple in silico algorithms, and/or has population frequency not consistent with disease.

NM_001386795.1(DTNA):c.448+17del

Gene: DTNA (dystrobrevin alpha; plus strand). Cytogenetic location: 18q12.1.
Variant type: Deletion.
Coding change: c.448+17del on transcript NM_001386795.1 (MANE Select); 17 bases into the intron after coding-DNA position 448, one base deleted (T; older notation c.448+17delT).
Molecular consequence: intron variant.
Genome position (GRCh38, 1-based): chr18:34,806,321, T deleted; the last of 2 consecutive T bases (chr18:34,806,320-34,806,321); deleting either gives the same sequence. VCF-style (leftmost placement, unchanged base first): chr18-34806319-CT-C. GRCh37 (hg19) VCF-style: chr18-32386283-CT-C.
Other names: c.448+17del (NM_032975.4, NM_001386761.1, NM_001386762.1 and 35 more transcripts); c.448+17delT (NM_001390.4).
Identifiers: ClinVar variation 421562 (VCV000421562.9), dbSNP rs754687179, ClinGen allele CA8935386.